The following is an entry in ClinVar:

ClinVar aggregate classification (germline): Uncertain significance (1 of 4 stars; one submission).

Submission:

GeneDx
Classification: Uncertain significance. Last evaluated: 2019-04-18. Review status: criteria provided, single submitter. Criteria: GeneDx Variant Classification Process June 2021. Collection method: clinical testing. Allele origin: germline. Affected: yes.
Comment: Not observed in large population cohorts (Lek et al., 2016); In silico analysis, which includes protein predictors and evolutionary conservation, supports a deleterious effect; Has not been previously published as pathogenic or benign to our knowledge

NM_175914.5(HNF4A):c.128A>T (p.Asp43Val)

Gene: HNF4A (hepatocyte nuclear factor 4 alpha; plus strand). Cytogenetic location: 20q13.12.
Variant type: single nucleotide variant.
Coding change: c.128A>T on transcript NM_175914.5 (MANE Select); coding-DNA position 128, A replaced by T.
Protein change: p.Asp43Val; replaces aspartic acid 43 with valine.
Molecular consequence: missense variant.
Genome position (GRCh38, 1-based): chr20:44,406,136, A>T. VCF-style: chr20-44406136-A-T. GRCh37 (hg19) VCF-style: chr20-43034776-A-T.
Other names: c.194A>T, p.Asp65Val (NM_000457.6, NM_178849.3, NM_178850.3); c.128A>T, p.Asp43Val (NM_001030003.3, NM_001030004.3); c.173A>T, p.Asp58Val (NM_001258355.2); c.119A>T, p.Asp40Val (NM_001287182.2, NM_001287183.2, NM_001287184.2); short protein forms D40V, D43V, D58V, D65V.
Identifiers: ClinVar variation 1305168 (VCV001305168.2), dbSNP rs1600707598, ClinGen allele CA409103815.